The following is an entry in ClinVar:

NM_000133.4(F9):c.1067G>A (p.Trp356Ter)

Gene: F9 (coagulation factor IX; plus strand). Cytogenetic location: Xq27.1.
Variant type: single nucleotide variant.
Coding change: c.1067G>A on transcript NM_000133.4 (MANE Select); coding-DNA position 1067, G replaced by A.
Protein change: p.Trp356Ter; replaces tryptophan 356 with a stop codon.
Molecular consequence: nonsense.
Genome position (GRCh38, 1-based): chrX:139,561,752, G>A. VCF-style: chrX-139561752-G-A. GRCh37 (hg19) VCF-style: chrX-138643911-G-A.
Other names: c.953G>A, p.Trp318Ter (NM_001313913.2); short protein forms W318*, W356*.
Identifiers: ClinVar variation 2138742 (VCV002138742.4), dbSNP rs1479241411, ClinGen allele CA414445672.
Genomic context (GRCh38, chrX:139,561,752, plus strand): 5'-TTGCTGACAAGGAATACACGAACATCTTCCTCAAATTTGGATCTGGCTATGTAAGTGGCT[G>A]GGGAAGAGTCTTCCACAAAGGGAGATCAGCTTTAGTTCTTCAGTACCTTAGAGTTCCACT-3'

ClinVar aggregate classification (germline): Pathogenic (1 of 4 stars; one submission).

Conditions:
Thrombophilia, X-linked, due to factor 9 defect. Identifiers: MedGen C2749016, MONDO:0010432, OMIM 300807.
Hereditary factor IX deficiency disease (HEMB). Also called: Christmas Disease; F9 DEFICIENCY; FACTOR IX DEFICIENCY; PLASMA THROMBOPLASTIN COMPONENT DEFICIENCY; Hemophilia B. Identifiers: Orphanet 98879, MedGen C0008533, MeSH D002836, MONDO:0010604, OMIM 306900.

Allele frequency attached by ClinVar (database versions not stated): TOPMed 0.00002.

Submission:

Labcorp Genetics (formerly Invitae), Labcorp
Classification: Pathogenic for Thrombophilia, X-linked, due to factor 9 defect; Hereditary factor IX deficiency disease. Last evaluated: 2022-07-22. Review status: criteria provided, single submitter. Criteria: Invitae Variant Classification Sherloc (09022015). Collection method: clinical testing. Allele origin: germline.
Comment: For these reasons, this variant has been classified as Pathogenic. This variant is also known as Trp 310 Stop or Trp356Stop. This premature translational stop signal has been observed in individuals with hemophilia B (PMID: 10094553, 24375831). This variant is not present in population databases (gnomAD no frequency). This sequence change creates a premature translational stop signal (p.Trp356*) in the F9 gene. While this is not anticipated to result in nonsense mediated decay, it is expected to disrupt the last 106 amino acid(s) of the F9 protein.

Literature cited by the submitters: PubMed 10094553; PubMed 24375831.